The following is an entry in ClinVar:

NM_005869.4(CWC27):c.1002del (p.Lys334_Val335insTer)

Gene: CWC27 (CWC27 spliceosome associated cyclophilin; plus strand). Cytogenetic location: 5q12.3.
Variant type: Deletion.
Coding change: c.1002del on transcript NM_005869.4 (MANE Select); coding-DNA position 1002, one base deleted (A; older notation c.1002delA).
Protein change: p.Lys334_Val335insTer.
Molecular consequence: frameshift variant.
Genome position (GRCh38, 1-based): chr5:64,885,506, A deleted; the last of 8 consecutive A bases (chr5:64,885,499-64,885,506); deleting any one gives the same sequence. VCF-style (leftmost placement, unchanged base first): chr5-64885498-CA-C. GRCh37 (hg19) VCF-style: chr5-64181325-CA-C.
Other names: c.1002del, p.Lys334_Val335insTer (NM_001297644.1, NM_001364478.1).
Identifiers: ClinVar variation 1435690 (VCV001435690.7), dbSNP rs752159903, ClinGen allele CA3282176.

ClinVar aggregate classification (germline): Pathogenic/Likely pathogenic. Review status: criteria provided, multiple submitters, no conflicts (2 of 4 stars). 2 submissions from 2 submitters: Pathogenic (1); Likely pathogenic (1). Last evaluated 2022-11-12.

Conditions:
CWC27-related disorder. Also called: CWC27-related condition.

Submissions (2):

Labcorp Genetics (formerly Invitae), Labcorp
Classification: Pathogenic. Last evaluated: 2022-11-12. Review status: criteria provided, single submitter. Criteria: Invitae Variant Classification Sherloc (09022015). Collection method: clinical testing. Allele origin: germline.
Comment: The frequency data for this variant in the population databases is considered unreliable, as metrics indicate poor data quality at this position in the gnomAD database. This variant has not been reported in the literature in individuals affected with CWC27-related conditions. ClinVar contains an entry for this variant (Variation ID: 1435690). For these reasons, this variant has been classified as Pathogenic. This sequence change creates a premature translational stop signal (p.Val335*) in the CWC27 gene. It is expected to result in an absent or disrupted protein product. Loss-of-function variants in CWC27 are known to be pathogenic (PMID: 28285769).

Blueprint Genetics
Classification: Likely pathogenic for CWC27-related disorders. Last evaluated: 2021-09-25. Review status: criteria provided, single submitter. Criteria: ACMG Guidelines, 2015. Collection method: clinical testing. Allele origin: germline. Affected: yes. Observed: 1 variant allele.

Literature cited by the submitters: PubMed 28285769 (cited by Labcorp Genetics (formerly Invitae), Labcorp).